The following is an entry in ClinVar:

NM_025179.4(PLXNA2):c.4164G>A (p.Ser1388=)

Gene: PLXNA2 (plexin A2; minus strand). Cytogenetic location: 1q32.2.
Variant type: single nucleotide variant.
Coding change: c.4164G>A on transcript NM_025179.4 (MANE Select); coding-DNA position 4164, G replaced by A.
Protein change: p.Ser1388=; no amino-acid change (serine 1388 retained).
Molecular consequence: synonymous variant.
Genome position (GRCh38, 1-based): chr1:208,042,220, C>T on the plus strand (G>A on the coding strand, the complement: PLXNA2 is on the minus strand). VCF-style: chr1-208042220-C-T. GRCh37 (hg19) VCF-style: chr1-208215565-C-T.
Other names: c.4164G>A (NM_025179.3).
Identifiers: ClinVar variation 2917254 (VCV002917254.5), dbSNP rs549463134, ClinGen allele CA1372956.

ClinVar aggregate classification (germline): Likely benign. Review status: criteria provided, single submitter (1 of 4 stars). 2 submissions from 2 submitters: Likely benign (1). 1 of the submissions does not count toward it. Last evaluated 2022-11-03.

Conditions:
PLXNA2-related disorder. Also called: PLXNA2-related condition.

Allele frequency attached by ClinVar (database versions not stated): TOPMed 0.00002; gnomAD 0.00003; ExAC 0.00004; gnomAD exomes 0.00004.
gnomAD v4.1: 66 of 1,614,086 alleles (0.0041%); highest among the groups gnomAD compares: South Asian, 0.037%; no homozygotes.

Submissions (2):

Labcorp Genetics (formerly Invitae), Labcorp
Classification: Likely benign. Last evaluated: 2022-11-03. Review status: criteria provided, single submitter. Criteria: Invitae Variant Classification Sherloc (09022015). Collection method: clinical testing. Allele origin: germline.

PreventionGenetics, part of Exact Sciences
Classification: Likely benign for PLXNA2-related condition. Last evaluated: 2021-10-26. Review status: no assertion criteria provided. Collection method: clinical testing. Allele origin: germline. Not counted in ClinVar's aggregate classification.
Comment: This variant is classified as likely benign based on ACMG/AMP sequence variant interpretation guidelines (Richards et al. 2015 PMID: 25741868, with internal and published modifications).